The following is an entry in ClinVar:

NM_025114.4(CEP290):c.4195-348C>T

Gene: CEP290 (centrosomal protein 290; minus strand). Cytogenetic location: 12q21.32.
Variant type: single nucleotide variant.
Coding change: c.4195-348C>T on transcript NM_025114.4 (MANE Select); 348 bases into the intron before coding-DNA position 4195, C replaced by T.
Molecular consequence: intron variant.
Genome position (GRCh38, 1-based): chr12:88,086,846, G>A on the plus strand (C>T on the coding strand, the complement: CEP290 is on the minus strand). VCF-style: chr12-88086846-G-A. GRCh37 (hg19) VCF-style: chr12-88480623-G-A.
Identifiers: ClinVar variation 668067 (VCV000668067.1), dbSNP rs2468249, ClinGen allele CA241162006.

ClinVar aggregate classification (germline): Benign (1 of 4 stars; one submission).

Allele frequency attached by ClinVar (database versions not stated): TOPMed 0.86932; 1000 Genomes Project 0.87360; 1000 Genomes Project 30x 0.86899; gnomAD 0.89010.
gnomAD v4.1: 134,191 of 152,244 alleles (88%); highest among the groups gnomAD compares: East Asian, 99%; 60,019 homozygotes.

Submission:

GeneDx
Classification: Benign. Last evaluated: 2018-06-19. Review status: criteria provided, single submitter. Criteria: GeneDx Variant Classification (06012015). Collection method: clinical testing. Allele origin: germline. Affected: yes.
Comment: This variant is considered likely benign or benign based on one or more of the following criteria: it is a conservative change, it occurs at a poorly conserved position in the protein, it is predicted to be benign by multiple in silico algorithms, and/or has population frequency not consistent with disease.